The following is an entry in ClinVar:

NM_000327.4(ROM1):c.47_48delinsAA (p.Arg16Gln)

Gene: ROM1 (retinal outer segment membrane protein 1; plus strand). Cytogenetic location: 11q12.3.
Variant type: Indel.
Coding change: c.47_48delinsAA on transcript NM_000327.4 (MANE Select); coding-DNA positions 47 to 48, GC replaced by AA.
Protein change: p.Arg16Gln; replaces arginine 16 with glutamine.
Molecular consequence: missense variant.
Genome position (GRCh38, 1-based): chr11:62,613,328-62,613,329, GC replaced by AA. VCF-style: chr11-62613328-GC-AA. GRCh37 (hg19) VCF-style: chr11-62380800-GC-AA.
Other names: short protein forms R16Q.
Identifiers: ClinVar variation 1060154 (VCV001060154.10), dbSNP rs2134420292, ClinGen allele CA2499221110.

ClinVar aggregate classification (germline): Uncertain significance. Review status: criteria provided, multiple submitters, no conflicts (2 of 4 stars). 2 submissions from 2 submitters: Uncertain significance (2). Last evaluated 2024-05-14.

Submissions (2):

Labcorp Genetics (formerly Invitae), Labcorp
Classification: Uncertain significance. Last evaluated: 2024-05-14. Review status: criteria provided, single submitter. Criteria: Invitae Variant Classification Sherloc (09022015). Collection method: clinical testing. Allele origin: germline.
Comment: This sequence change replaces arginine, which is basic and polar, with glutamine, which is neutral and polar, at codon 16 of the ROM1 protein (p.Arg16Gln). This variant is present in population databases (no rsID available, gnomAD 0.0007%). This variant has not been reported in the literature in individuals affected with ROM1-related conditions. ClinVar contains an entry for this variant (Variation ID: 1060154). Experimental studies and prediction algorithms are not available or were not evaluated, and the functional significance of this variant is currently unknown. In summary, the available evidence is currently insufficient to determine the role of this variant in disease. Therefore, it has been classified as a Variant of Uncertain Significance.

Blueprint Genetics
Classification: Uncertain significance. Last evaluated: 2021-03-03. Review status: criteria provided, single submitter. Criteria: ACMG Guidelines, 2015. Collection method: clinical testing. Allele origin: germline.